The following is an entry in ClinVar:

NM_005236.3(ERCC4):c.225G>A (p.Gln75=)

Gene: ERCC4 (ERCC excision repair 4, endonuclease catalytic subunit; plus strand). Cytogenetic location: 16p13.12.
Variant type: single nucleotide variant.
Coding change: c.225G>A on transcript NM_005236.3 (MANE Select); coding-DNA position 225, G replaced by A.
Protein change: p.Gln75=; no amino-acid change (glutamine 75 retained).
Molecular consequence: synonymous variant.
Genome position (GRCh38, 1-based): chr16:13,922,048, G>A. VCF-style: chr16-13922048-G-A. GRCh37 (hg19) VCF-style: chr16-14015905-G-A.
Identifiers: ClinVar variation 3763073 (VCV003763073.3).

ClinVar aggregate classification (germline): Likely benign. Review status: criteria provided, multiple submitters, no conflicts (2 of 4 stars). 2 submissions from 2 submitters: Likely benign (2). Last evaluated 2026-10-01.

Conditions:
Fanconi anemia complementation group Q. Identifiers: Orphanet 84, MedGen C3808988, MONDO:0014108, OMIM 615272.
Cockayne syndrome. Identifiers: Orphanet 191, MedGen C0009207, MONDO:0016006.
Xeroderma pigmentosum, group F (XPF). Also called: XERODERMA PIGMENTOSUM, TYPE F; Xeroderma pigmentosum, type 6; XERODERMA PIGMENTOSUM VI; XP, GROUP F; ERCC4-Related Xeroderma Pigmentosum; XERODERMA PIGMENTOSUM, COMPLEMENTATION GROUP F. Identifiers: MedGen C0268140, MONDO:0010215, OMIM 278760.

gnomAD v4.1: 14 of 1,613,484 alleles (0.00087%); highest among the groups gnomAD compares: African/African-American, 0.016%; no homozygotes.

Submissions (2):

CeGaT Center for Human Genetics Tuebingen
Classification: Likely benign. Last evaluated: 2026-10-01. Review status: criteria provided, single submitter. Criteria: CeGaT Center For Human Genetics Tuebingen Variant Classification Criteria Version 2. Collection method: clinical testing. Allele origin: germline. Affected: yes. Observed: 1 variant allele.
Comment: ERCC4: BP4, BP7

Labcorp Genetics (formerly Invitae), Labcorp
Classification: Likely benign for Fanconi anemia complementation group Q; Xeroderma pigmentosum, group F; Cockayne syndrome. Last evaluated: 2024-07-12. Review status: criteria provided, single submitter. Criteria: Invitae Variant Classification Sherloc (09022015). Collection method: clinical testing. Allele origin: germline.